The following is an entry in ClinVar:

ClinVar aggregate classification (germline): Likely benign (0 of 4 stars; one submission).

Conditions:
NOS3-related disorder. Also called: NOS3-related condition.

Allele frequency attached by ClinVar (database versions not stated): 1000 Genomes Project 30x 0.00078; 1000 Genomes Project 0.00080.
gnomAD v4.1: 217 of 1,608,356 alleles (0.013%); highest among the groups gnomAD compares: South Asian, 0.22%; 3 homozygotes.

Submission:

PreventionGenetics, part of Exact Sciences
Classification: Likely benign for NOS3-related condition. Last evaluated: 2019-06-07. Review status: no assertion criteria provided. Collection method: clinical testing. Allele origin: germline.
Comment: This variant is classified as likely benign based on ACMG/AMP sequence variant interpretation guidelines (Richards et al. 2015 PMID: 25741868, with internal and published modifications).

NM_000603.5(NOS3):c.777C>G (p.Gly259=)

Gene: NOS3 (nitric oxide synthase 3; plus strand). Cytogenetic location: 7q36.1.
Variant type: single nucleotide variant.
Coding change: c.777C>G on transcript NM_000603.5 (MANE Select); coding-DNA position 777, C replaced by G.
Protein change: p.Gly259=; no amino-acid change (glycine 259 retained).
Molecular consequence: synonymous variant.
Genome position (GRCh38, 1-based): chr7:150,998,641, C>G. VCF-style: chr7-150998641-C-G. GRCh37 (hg19) VCF-style: chr7-150695729-C-G.
Other names: c.777C>G, p.Gly259= (NM_001160109.2, NM_001160110.1, NM_001160111.1).
Identifiers: ClinVar variation 3043814 (VCV003043814.2), dbSNP rs527753775, ClinGen allele CA4566738.
Genomic context (GRCh38, chr7:150,998,641, plus strand): 5'-AGACTTCCGAATCTGGAACAGCCAGCTGGTGCGCTACGCGGGCTACCGGCAGCAGGATGG[C>G]TCTGTGCGGGGGGACCCAGCCAACGTGGAGATCACCGAGGTGGGCACCGAGGGCCACCCA-3'
Protein context (NP_000594.2, residues 249-269): VRYAGYRQQD[Gly259=]SVRGDPANVE